The following is an entry in ClinVar:

ClinVar aggregate classification (germline): Conflicting classifications of pathogenicity. Review status: criteria provided, conflicting classifications (1 of 4 stars). 2 submissions from 2 submitters: Pathogenic (1); Uncertain significance (1). Last evaluated 2023-11-20.

Conditions:
RPE65-related disorder. Also called: RPE65-related condition; RPE65-related disorders. Identifiers: MedGen CN239301.
Retinitis pigmentosa 20 (RP20). Identifiers: Orphanet 791, MedGen C3151086, MONDO:0013425, OMIM 613794.
Leber congenital amaurosis 2 (LCA2). Also called: AMAUROSIS CONGENITA OF LEBER II; Autosomal Recessive RPE65-Related Retinal Degeneration. Identifiers: Orphanet 65, MedGen C1859844, MONDO:0008765, OMIM 204100. Disease mechanism: loss of function.

Allele frequency attached by ClinVar (database versions not stated): gnomAD exomes below 0.00001 and 0.00001; TOPMed below 0.00001; ExAC 0.00001; ESP Exome Variant Server 0.00008.
gnomAD v4.1: 5 of 1,613,732 alleles (0.00031%); highest among the groups gnomAD compares: South Asian, 0.0011%; no homozygotes.

Submissions (2):

Blueprint Genetics
Classification: Pathogenic for RPE65-related disorders. Last evaluated: 2023-11-20. Review status: criteria provided, single submitter. Criteria: ACMG Guidelines, 2015. Collection method: clinical testing. Allele origin: germline. Affected: yes. Observed: 5 variant alleles.

Labcorp Genetics (formerly Invitae), Labcorp
Classification: Uncertain significance for Leber congenital amaurosis 2; Retinitis pigmentosa 20. Last evaluated: 2023-10-05. Review status: criteria provided, single submitter. Criteria: Invitae Variant Classification Sherloc (09022015). Collection method: clinical testing. Allele origin: germline.
Comment: This sequence change replaces glutamic acid, which is acidic and polar, with lysine, which is basic and polar, at codon 519 of the RPE65 protein (p.Glu519Lys). This variant is present in population databases (rs373274945, gnomAD 0.002%). This variant has not been reported in the literature in individuals affected with RPE65-related conditions. ClinVar contains an entry for this variant (Variation ID: 1481159). Advanced modeling of protein sequence and biophysical properties (such as structural, functional, and spatial information, amino acid conservation, physicochemical variation, residue mobility, and thermodynamic stability) performed at Invitae indicates that this missense variant is not expected to disrupt RPE65 protein function. In summary, the available evidence is currently insufficient to determine the role of this variant in disease. Therefore, it has been classified as a Variant of Uncertain Significance.

NM_000329.3(RPE65):c.1555G>A (p.Glu519Lys)

Gene: RPE65 (retinoid isomerohydrolase RPE65; minus strand). Cytogenetic location: 1p31.3.
Variant type: single nucleotide variant.
Coding change: c.1555G>A on transcript NM_000329.3 (MANE Select); coding-DNA position 1555, G replaced by A.
Protein change: p.Glu519Lys; replaces glutamic acid 519 with lysine.
Molecular consequence: missense variant.
Genome position (GRCh38, 1-based): chr1:68,429,823, C>T on the plus strand (G>A on the coding strand, the complement: RPE65 is on the minus strand). VCF-style: chr1-68429823-C-T. GRCh37 (hg19) VCF-style: chr1-68895506-C-T.
Other names: short protein forms E519K.
Identifiers: ClinVar variation 1481159 (VCV001481159.7), dbSNP rs373274945, ClinGen allele CA902130.